The following is an entry in ClinVar:

ClinVar aggregate classification (germline): Uncertain significance (1 of 4 stars; one submission).

Conditions:
Wilson disease (WND). Also called: Wilson's disease. Identifiers: Orphanet 905, MedGen C0019202, MONDO:0010200, OMIM 277900. Disease mechanism: loss of function.

Submission:

All of Us Research Program, National Institutes of Health
Classification: Uncertain significance for Wilson disease. Last evaluated: 2024-05-14. Review status: criteria provided, single submitter. Criteria: ACMG Guidelines, 2015. Collection method: clinical testing. Allele origin: germline. Inheritance: Autosomal recessive inheritance. Observed: 1 variant allele, 1 heterozygote.
Comment: This missense variant replaces isoleucine with threonine at codon 1338 of the ATP7B protein. Computational prediction suggests that this variant may have deleterious impact on protein structure and function (internally defined REVEL score threshold >= 0.7, PMID: 27666373). To our knowledge, functional studies have not been reported for this variant. This variant has not been reported in individuals affected with ATP7B-related disorders in the literature. This variant has not been identified in the general population by the Genome Aggregation Database (gnomAD). The available evidence is insufficient to determine the role of this variant in disease conclusively. Therefore, this variant is classified as a Variant of Uncertain Significance.

This study involves interpretation of variants in research participants for the purpose of population health screening. Participant phenotype was not available at the time of variant classification. Additional details can be found in publication PMID: 35346344, PMCID: PMC8962531

NM_000053.4(ATP7B):c.4013T>C (p.Ile1338Thr)

Gene: ATP7B (ATPase copper transporting beta; minus strand). Cytogenetic location: 13q14.3.
Variant type: single nucleotide variant.
Coding change: c.4013T>C on transcript NM_000053.4 (MANE Select); coding-DNA position 4013, T replaced by C.
Protein change: p.Ile1338Thr; replaces isoleucine 1338 with threonine.
Molecular consequence: missense variant.
Genome position (GRCh38, 1-based): chr13:51,937,284, A>G on the plus strand (T>C on the coding strand, the complement: ATP7B is on the minus strand). VCF-style: chr13-51937284-A-G. GRCh37 (hg19) VCF-style: chr13-52511420-A-G.
Other names: c.3683T>C, p.Ile1228Thr (NM_001406536.1, NM_001406535.1); c.3674T>C, p.Ile1225Thr (NM_001406537.1); c.3635T>C, p.Ile1212Thr (NM_001406538.1); c.3584T>C, p.Ile1195Thr (NM_001406539.1); c.3566T>C, p.Ile1189Thr (NM_001406540.1); c.3527T>C, p.Ile1176Thr (NM_001406541.1, NM_001406542.1); c.3521T>C, p.Ile1174Thr (NM_001406543.1); c.3431T>C, p.Ile1144Thr (NM_001406544.1); and 21 more; short protein forms I1057T, I1111T, I1122T, I1131T, I1144T, I1174T, I1176T, I1189T.
Identifiers: ClinVar variation 3387306 (VCV003387306.1).